The following is an entry in ClinVar:

ClinVar aggregate classification (germline): Uncertain significance. Review status: criteria provided, multiple submitters, no conflicts (2 of 4 stars). 2 submissions from 2 submitters: Uncertain significance (2). Last evaluated 2024-07-29.

Conditions:
Inborn genetic diseases. Identifiers: MedGen C0950123, MeSH D030342.

Allele frequency attached by ClinVar (database versions not stated): ExAC 0.00003; gnomAD exomes 0.00004; 1000 Genomes Project 0.00020; 1000 Genomes Project 30x 0.00047.

Submissions (2):

Labcorp Genetics (formerly Invitae), Labcorp
Classification: Uncertain significance. Last evaluated: 2024-07-29. Review status: criteria provided, single submitter. Criteria: Invitae Variant Classification Sherloc (09022015). Collection method: clinical testing. Allele origin: germline.
Comment: This sequence change replaces glutamic acid, which is acidic and polar, with lysine, which is basic and polar, at codon 569 of the SLC6A19 protein (p.Glu569Lys). This variant is present in population databases (rs182081474, gnomAD 0.05%). This variant has not been reported in the literature in individuals affected with SLC6A19-related conditions. ClinVar contains an entry for this variant (Variation ID: 2067779). An algorithm developed to predict the effect of missense changes on protein structure and function (PolyPhen-2) suggests that this variant¬†is likely to be tolerated. In summary, the available evidence is currently insufficient to determine the role of this variant in disease. Therefore, it has been classified as a Variant of Uncertain Significance.

Ambry Genetics
Classification: Uncertain significance for Inborn genetic diseases. Last evaluated: 2021-12-13. Review status: criteria provided, single submitter. Criteria: Ambry Variant Classification Scheme 2023. Collection method: clinical testing. Allele origin: germline.

NM_001003841.3(SLC6A19):c.1705G>A (p.Glu569Lys)

Gene: SLC6A19 (solute carrier family 6 member 19; plus strand). Cytogenetic location: 5p15.33.
Variant type: single nucleotide variant.
Coding change: c.1705G>A on transcript NM_001003841.3 (MANE Select); coding-DNA position 1705, G replaced by A.
Protein change: p.Glu569Lys; replaces glutamic acid 569 with lysine.
Molecular consequence: missense variant.
Genome position (GRCh38, 1-based): chr5:1,221,704, G>A. VCF-style: chr5-1221704-G-A. GRCh37 (hg19) VCF-style: chr5-1221819-G-A.
Other names: short protein forms E569K.
Identifiers: ClinVar variation 2067779 (VCV002067779.3), dbSNP rs182081474, ClinGen allele CA3183283.